The following is an entry in ClinVar:

ClinVar aggregate classification (germline): Uncertain significance (1 of 4 stars; one submission).

Allele frequency attached by ClinVar (database versions not stated): TOPMed below 0.00001; gnomAD exomes 0.00001; ExAC 0.00003.
gnomAD v4.1: 13 of 1,566,844 alleles (0.00083%); highest among the groups gnomAD compares: Non-Finnish European, 0.00095%; no homozygotes.

Submission:

Labcorp Genetics (formerly Invitae), Labcorp
Classification: Uncertain significance. Last evaluated: 2021-05-28. Review status: criteria provided, single submitter. Criteria: Invitae Variant Classification Sherloc (09022015). Collection method: clinical testing. Allele origin: germline.
Comment: Algorithms developed to predict the effect of missense changes on protein structure and function are either unavailable or do not agree on the potential impact of this missense change (SIFT: "Deleterious"; PolyPhen-2: "Probably Damaging"; Align-GVGD: "Class C0"). This variant has not been reported in the literature in individuals with OTOGL-related conditions. This variant is present in population databases (rs751716272, ExAC 0.007%). This sequence change replaces cysteine with phenylalanine at codon 394 of the OTOGL protein (p.Cys394Phe). The cysteine residue is highly conserved and there is a large physicochemical difference between cysteine and phenylalanine. In summary, the available evidence is currently insufficient to determine the role of this variant in disease. Therefore, it has been classified as a Variant of Uncertain Significance.

NM_001378609.3(OTOGL):c.1208G>T (p.Cys403Phe)

Gene: OTOGL (otogelin like; plus strand). Cytogenetic location: 12q21.31.
Variant type: single nucleotide variant.
Coding change: c.1208G>T on transcript NM_001378609.3 (MANE Select); coding-DNA position 1208, G replaced by T.
Protein change: p.Cys403Phe; replaces cysteine 403 with phenylalanine.
Molecular consequence: missense variant.
Genome position (GRCh38, 1-based): chr12:80,252,124, G>T. VCF-style: chr12-80252124-G-T. GRCh37 (hg19) VCF-style: chr12-80645904-G-T.
Other names: c.1208G>T, p.Cys403Phe (NM_001368062.3, NM_001378610.3, NM_173591.7); short protein forms C403F.
Identifiers: ClinVar variation 1356829 (VCV001356829.8), dbSNP rs751716272, ClinGen allele CA6700395.
Genomic context (GRCh38, chr12:80,252,124, plus strand): 5'-TGTCTGTTTTAGCTGATAAATGTGATGATAGCTTTGTCCATCGGGACTGTATCAGTTGTT[G>T]TCCACCAACCTGCACATTTGAGAAGCAATGTCTTGGGAGCAATCTCCATTGTCTTGATGG-3'
Protein context (NP_001365538.2, residues 393-413): SFVHRDCISC[Cys403Phe]PPTCTFEKQC